The following is an entry in ClinVar:

NM_015425.6(POLR1A):c.1097C>G (p.Ser366Cys)

Gene: POLR1A (RNA polymerase I subunit A; minus strand). Cytogenetic location: 2p11.2.
Variant type: single nucleotide variant.
Coding change: c.1097C>G on transcript NM_015425.6 (MANE Select); coding-DNA position 1097, C replaced by G.
Protein change: p.Ser366Cys; replaces serine 366 with cysteine.
Molecular consequence: missense variant.
Genome position (GRCh38, 1-based): chr2:86,078,274, G>C on the plus strand (C>G on the coding strand, the complement: POLR1A is on the minus strand). VCF-style: chr2-86078274-G-C. GRCh37 (hg19) VCF-style: chr2-86305397-G-C.
Other names: short protein forms S366C.
Identifiers: ClinVar variation 1507475 (VCV001507475.6), dbSNP rs183490100, ClinGen allele CA1746438.

ClinVar aggregate classification (germline): Uncertain significance (1 of 4 stars; one submission).

gnomAD v4.1: 15 of 1,569,504 alleles (0.00096%); highest among the groups gnomAD compares: Non-Finnish European, 0.0013%; no homozygotes.

Submission:

Labcorp Genetics (formerly Invitae), Labcorp
Classification: Uncertain significance. Last evaluated: 2022-09-07. Review status: criteria provided, single submitter. Criteria: Invitae Variant Classification Sherloc (09022015). Collection method: clinical testing. Allele origin: germline.
Comment: This sequence change replaces serine, which is neutral and polar, with cysteine, which is neutral and slightly polar, at codon 366 of the POLR1A protein (p.Ser366Cys). This variant is present in population databases (rs183490100, gnomAD 0.001%). This variant has not been reported in the literature in individuals affected with POLR1A-related conditions. ClinVar contains an entry for this variant (Variation ID: 1507475). Algorithms developed to predict the effect of missense changes on protein structure and function are either unavailable or do not agree on the potential impact of this missense change (SIFT: "Not Available"; PolyPhen-2: "Possibly Damaging"; Align-GVGD: "Not Available"). In summary, the available evidence is currently insufficient to determine the role of this variant in disease. Therefore, it has been classified as a Variant of Uncertain Significance.